The following is an entry in ClinVar:

NM_001242896.3(DEPDC5):c.3254G>C (p.Ser1085Thr)

Gene: DEPDC5 (DEP domain containing 5, GATOR1 subcomplex subunit; plus strand). Cytogenetic location: 22q12.3.
Variant type: single nucleotide variant.
Coding change: c.3254G>C on transcript NM_001242896.3 (MANE Select); coding-DNA position 3254, G replaced by C.
Protein change: p.Ser1085Thr; replaces serine 1085 with threonine.
Molecular consequence: missense variant. On other transcripts: non-coding transcript variant (5).
Genome position (GRCh38, 1-based): chr22:31,857,543, G>C. VCF-style: chr22-31857543-G-C. GRCh37 (hg19) VCF-style: chr22-32253529-G-C.
Other names: c.3227G>C, p.Ser1076Thr (NM_001136029.4, NM_001369903.1, NM_014662.6); c.3020G>C, p.Ser1007Thr (NM_001242897.2, NM_001363854.2, NM_001364319.2); c.3254G>C, p.Ser1085Thr (NM_001363852.2, NM_001364318.2, NM_001364320.2); c.3170G>C, p.Ser1057Thr (NM_001369901.1, NM_001369902.1); short protein forms S1007T, S1057T, S1076T, S1085T.
Identifiers: ClinVar variation 3377936 (VCV003377936.1).

ClinVar aggregate classification (germline): Uncertain significance (1 of 4 stars; one submission).

Submission:

GeneDx
Classification: Uncertain significance. Last evaluated: 2024-05-17. Review status: criteria provided, single submitter. Criteria: GeneDx Variant Classification Process June 2021. Collection method: clinical testing. Allele origin: germline. Affected: yes.
Comment: Not observed at significant frequency in large population cohorts (gnomAD); In silico analysis indicates that this missense variant does not alter protein structure/function; Has not been previously published as pathogenic or benign to our knowledge